The following is an entry in ClinVar:

ClinVar aggregate classification (germline): Uncertain significance (1 of 4 stars; one submission).

Conditions:
Perlman syndrome (PRLMNS). Identifiers: Orphanet 2849, MedGen C0796113, MONDO:0009965, OMIM 267000.

Submission:

Labcorp Genetics (formerly Invitae), Labcorp
Classification: Uncertain significance for Perlman syndrome. Last evaluated: 2021-06-24. Review status: criteria provided, single submitter. Criteria: Invitae Variant Classification Sherloc (09022015). Collection method: clinical testing. Allele origin: germline.
Comment: In summary, the available evidence is currently insufficient to determine the role of this variant in disease. Therefore, it has been classified as a Variant of Uncertain Significance. Algorithms developed to predict the effect of missense changes on protein structure and function (SIFT, PolyPhen-2, Align-GVGD) all suggest that this variant is likely to be disruptive, but these predictions have not been confirmed by published functional studies and their clinical significance is uncertain. This variant has not been reported in the literature in individuals with DIS3L2-related conditions. This variant is not present in population databases (ExAC no frequency). This sequence change replaces leucine with proline at codon 644 of the DIS3L2 protein (p.Leu644Pro). The leucine residue is highly conserved and there is a moderate physicochemical difference between leucine and proline.

NM_152383.5(DIS3L2):c.1931T>C (p.Leu644Pro)

Gene: DIS3L2 (DIS3 like 3'-5' exoribonuclease 2; plus strand). Cytogenetic location: 2q37.1.
Variant type: single nucleotide variant.
Coding change: c.1931T>C on transcript NM_152383.5 (MANE Select); coding-DNA position 1931, T replaced by C.
Protein change: p.Leu644Pro; replaces leucine 644 with proline.
Molecular consequence: missense variant. On other transcripts: non-coding transcript variant (2), intron variant (1).
Genome position (GRCh38, 1-based): chr2:232,330,697, T>C. VCF-style: chr2-232330697-T-C. GRCh37 (hg19) VCF-style: chr2-233195407-T-C.
Other names: c.1582-12648T>C (NM_001257281.2); short protein forms L644P.
Identifiers: ClinVar variation 1363575 (VCV001363575.8), dbSNP rs1695709477, ClinGen allele CA350976482.